The following is an entry in ClinVar:

NM_001080.3(ALDH5A1):c.154G>A (p.Ala52Thr)

Genes: ALDH5A1 (aldehyde dehydrogenase 5 family member A1; plus strand), GPLD1 (glycosylphosphatidylinositol specific phospholipase D1; minus strand), LOC129995978 (ATAC-STARR-seq lymphoblastoid silent region 16989; plus strand). Cytogenetic location: 6p22.3.
Variant type: single nucleotide variant.
Coding change: c.154G>A on transcript NM_001080.3 (MANE Select); coding-DNA position 154, G replaced by A.
Protein change: p.Ala52Thr; replaces alanine 52 with threonine.
Molecular consequence: missense variant.
Genome position (GRCh38, 1-based): chr6:24,495,150, G>A. VCF-style: chr6-24495150-G-A. GRCh37 (hg19) VCF-style: chr6-24495378-G-A.
Other names: c.154G>A, p.Ala52Thr (NM_001368954.1, NM_170740.1); short protein forms A52T.
Identifiers: ClinVar variation 288584 (VCV000288584.7), dbSNP rs886043944, ClinGen allele CA10606144.

ClinVar aggregate classification (germline): Uncertain significance. Review status: criteria provided, multiple submitters, no conflicts (2 of 4 stars). 3 submissions from 3 submitters: Uncertain significance (3). Last evaluated 2022-03-27.

Conditions:
Succinate-semialdehyde dehydrogenase deficiency (SSADHD). Also called: GABA METABOLIC DEFECT; Succinic Semialdehyde Dehydrogenase Deficiency; 4-HYDROXYBUTYRIC ACIDURIA; SSADH DEFICIENCY. Identifiers: Orphanet 22, MedGen C0268631, MONDO:0010083, OMIM 271980.

Allele frequency attached by ClinVar (database versions not stated): gnomAD 0.00001 and 0.00002; gnomAD exomes 0.00001 and 0.00004; TOPMed 0.00002; 1000 Genomes Project 30x 0.00031.
gnomAD v4.1: 13 of 1,428,998 alleles (0.00091%); highest among the groups gnomAD compares: East Asian, 0.027%; no homozygotes.

Submissions (3):

Labcorp Genetics (formerly Invitae), Labcorp
Classification: Uncertain significance for Succinate-semialdehyde dehydrogenase deficiency. Last evaluated: 2022-03-27. Review status: criteria provided, single submitter. Criteria: Invitae Variant Classification Sherloc (09022015). Collection method: clinical testing. Allele origin: germline.
Comment: This sequence change replaces alanine, which is neutral and non-polar, with threonine, which is neutral and polar, at codon 52 of the ALDH5A1 protein (p.Ala52Thr). This variant is present in population databases (no rsID available, gnomAD 0.1%). This variant has not been reported in the literature in individuals affected with ALDH5A1-related conditions. ClinVar contains an entry for this variant (Variation ID: 288584). Advanced modeling of protein sequence and biophysical properties (such as structural, functional, and spatial information, amino acid conservation, physicochemical variation, residue mobility, and thermodynamic stability) performed at Invitae indicates that this missense variant is not expected to disrupt ALDH5A1 protein function. In summary, the available evidence is currently insufficient to determine the role of this variant in disease. Therefore, it has been classified as a Variant of Uncertain Significance.

Blueprint Genetics
Classification: Uncertain significance. Last evaluated: 2020-10-23. Review status: criteria provided, single submitter. Criteria: ACMG Guidelines, 2015. Collection method: clinical testing. Allele origin: germline.

Eurofins Ntd Llc (ga)
Classification: Uncertain significance. Last evaluated: 2016-06-10. Review status: criteria provided, single submitter. Criteria: EGL Classification Definitions 2015. Collection method: clinical testing. Allele origin: germline. Observed: 1 variant allele, 1 heterozygote.